The following is an entry in ClinVar:

ClinVar aggregate classification (germline): Uncertain significance (1 of 4 stars; one submission).

Conditions:
Familial adenomatous polyposis 1 (FAP1). Also called: FAMILIAL ADENOMATOUS POLYPOSIS 1, ATTENUATED; POLYPOSIS, ADENOMATOUS INTESTINAL. Identifiers: MedGen C2713442, MONDO:0021056, OMIM 175100. Disease mechanism: loss of function.

Allele frequency attached by ClinVar (database versions not stated): gnomAD exomes below 0.00001.
gnomAD v4.1: 1 of 1,613,990 alleles (0.000062%); no homozygotes.

Submission:

Labcorp Genetics (formerly Invitae), Labcorp
Classification: Uncertain significance for Familial adenomatous polyposis 1. Last evaluated: 2023-09-10. Review status: criteria provided, single submitter. Criteria: Invitae Variant Classification Sherloc (09022015). Collection method: clinical testing. Allele origin: germline.
Comment: Advanced modeling of protein sequence and biophysical properties (such as structural, functional, and spatial information, amino acid conservation, physicochemical variation, residue mobility, and thermodynamic stability) performed at Invitae indicates that this missense variant is not expected to disrupt APC protein function. ClinVar contains an entry for this variant (Variation ID: 411554). This variant has not been reported in the literature in individuals affected with APC-related conditions. This variant is not present in population databases (gnomAD no frequency). In summary, the available evidence is currently insufficient to determine the role of this variant in disease. Therefore, it has been classified as a Variant of Uncertain Significance. This sequence change replaces proline, which is neutral and non-polar, with leucine, which is neutral and non-polar, at codon 1052 of the APC protein (p.Pro1052Leu).

NM_000038.6(APC):c.3155C>T (p.Pro1052Leu)

Gene: APC (APC regulator of Wnt signaling pathway; plus strand). Cytogenetic location: 5q22.2.
Variant type: single nucleotide variant.
Coding change: c.3155C>T on transcript NM_000038.6 (MANE Select); coding-DNA position 3155, C replaced by T.
Protein change: p.Pro1052Leu; replaces proline 1052 with leucine.
Molecular consequence: missense variant.
Genome position (GRCh38, 1-based): chr5:112,838,749, C>T. VCF-style: chr5-112838749-C-T. GRCh37 (hg19) VCF-style: chr5-112174446-C-T.
Other names: c.3155C>T, p.Pro1052Leu (NM_001127510.3, NM_001354895.2); c.3101C>T, p.Pro1034Leu (NM_001127511.3); c.3209C>T, p.Pro1070Leu (NM_001354896.2); c.3185C>T, p.Pro1062Leu (NM_001354897.2); c.3080C>T, p.Pro1027Leu (NM_001354898.2); c.3071C>T, p.Pro1024Leu (NM_001354899.2); c.3032C>T, p.Pro1011Leu (NM_001354900.2); c.2978C>T, p.Pro993Leu (NM_001354901.2); and 5 more; short protein forms P1034L, P1052L, P1062L, P961L, P993L, P1024L, P926L, P951L.
Identifiers: ClinVar variation 411554 (VCV000411554.10), dbSNP rs1060503371, ClinGen allele CA16028248.
Genomic context (GRCh38, chr5:112,838,749, plus strand): 5'-CAGATGAGCAGTTGAACTCTGGAAGGCAAAGTCCTTCACAGAATGAAAGATGGGCAAGAC[C>T]CAAACACATAATAGAAGATGAAATAAAACAAAGTGAGCAAAGACAATCAAGGAATCAAAG-3'
Protein context (NP_000029.2, residues 1042-1062): SPSQNERWAR[Pro1052Leu]KHIIEDEIKQ